The following is an entry in ClinVar:

ClinVar aggregate classification (germline): Uncertain significance (1 of 4 stars; one submission).

gnomAD v4.1: 35 of 1,613,300 alleles (0.0022%); highest among the groups gnomAD compares: Non-Finnish European, 0.0029%; no homozygotes.

Submission:

Labcorp Genetics (formerly Invitae), Labcorp
Classification: Uncertain significance. Last evaluated: 2025-09-10. Review status: criteria provided, single submitter. Criteria: Invitae Variant Classification Sherloc (09022015). Collection method: clinical testing. Allele origin: germline.
Comment: This sequence change replaces isoleucine, which is neutral and non-polar, with threonine, which is neutral and polar, at codon 735 of the FOCAD protein (p.Ile735Thr). This variant is present in population databases (rs775739710, gnomAD 0.01%). This variant has not been reported in the literature in individuals affected with FOCAD-related conditions. Experimental studies and prediction algorithms are not available or were not evaluated, and the functional significance of this variant is currently unknown. In summary, the available evidence is currently insufficient to determine the role of this variant in disease. Therefore, it has been classified as a Variant of Uncertain Significance.

NM_001375567.1(FOCAD):c.2204T>C (p.Ile735Thr)

Gene: FOCAD (focadhesin; plus strand). Cytogenetic location: 9p21.3.
Variant type: single nucleotide variant.
Coding change: c.2204T>C on transcript NM_001375567.1 (MANE Select); coding-DNA position 2204, T replaced by C.
Protein change: p.Ile735Thr; replaces isoleucine 735 with threonine.
Molecular consequence: missense variant.
Genome position (GRCh38, 1-based): chr9:20,874,694, T>C. VCF-style: chr9-20874694-T-C. GRCh37 (hg19) VCF-style: chr9-20874693-T-C.
Other names: c.2099T>C, p.Ile700Thr (NM_001375568.1, NM_001375570.1); c.2204T>C, p.Ile735Thr (NM_017794.5); short protein forms I700T, I735T.
Identifiers: ClinVar variation 4798846 (VCV004798846.1).